The following is an entry in ClinVar:

NM_000275.3(OCA2):c.1064_1065delinsTA (p.Ala355Val)

Gene: OCA2 (OCA2 melanosomal transmembrane protein; minus strand). Cytogenetic location: 15q13.1.
Variant type: Indel.
Coding change: c.1064_1065delinsTA on transcript NM_000275.3 (MANE Select); coding-DNA positions 1064 to 1065, CG replaced by TA.
Protein change: p.Ala355Val; replaces alanine 355 with valine.
Molecular consequence: missense variant. On other transcripts: intron variant (1).
Genome position (GRCh38, 1-based): chr15:27,990,627-27,990,628, CG replaced by TA on the plus strand (CG replaced by TA on the coding strand, the reverse complement: OCA2 is on the minus strand). VCF-style: chr15-27990627-CG-TA. GRCh37 (hg19) VCF-style: chr15-28235773-CG-TA.
Other names: c.1045-962_1045-961delinsTA (NM_001300984.2); short protein forms A355V.
Identifiers: ClinVar variation 2009750 (VCV002009750.1), dbSNP rs2548363604, ClinGen allele CA2580089183.

ClinVar aggregate classification (germline): Uncertain significance (1 of 4 stars; one submission).

Submission:

Labcorp Genetics (formerly Invitae), Labcorp
Classification: Uncertain significance. Last evaluated: 2022-06-23. Review status: criteria provided, single submitter. Criteria: Invitae Variant Classification Sherloc (09022015). Collection method: clinical testing. Allele origin: germline.
Comment: This sequence change replaces alanine, which is neutral and non-polar, with valine, which is neutral and non-polar, at codon 355 of the OCA2 protein (p.Ala355Val). The frequency data for this variant in the population databases is considered unreliable, as metrics indicate poor data quality at this position in the gnomAD database. This missense change has been observed in individual(s) with clinical features of ocular albinism (PMID: 28266639). Algorithms developed to predict the effect of missense changes on protein structure and function are either unavailable or do not agree on the potential impact of this missense change (SIFT: "Not Available"; PolyPhen-2: "Probably Damaging"; Align-GVGD: "Not Available"). In summary, the available evidence is currently insufficient to determine the role of this variant in disease. Therefore, it has been classified as a Variant of Uncertain Significance.

Literature cited by the submitters: PubMed 28266639.